The following is an entry in ClinVar:

NM_000540.3(RYR1):c.12282+9G>A

Gene: RYR1 (ryanodine receptor 1; plus strand). Cytogenetic location: 19q13.2.
Variant type: single nucleotide variant.
Coding change: c.12282+9G>A on transcript NM_000540.3 (MANE Select); 9 bases into the intron after coding-DNA position 12282, G replaced by A.
Molecular consequence: intron variant.
Genome position (GRCh38, 1-based): chr19:38,548,429, G>A. VCF-style: chr19-38548429-G-A. GRCh37 (hg19) VCF-style: chr19-39039069-G-A.
Other names: c.12282+9G>A (NM_000540.2); c.12267+9G>A (NM_001042723.2).
Identifiers: ClinVar variation 1102006 (VCV001102006.10), dbSNP rs2145790931, ClinGen allele CA2499225476.
Genomic context (GRCh38, chr19:38,548,429, plus strand): 5'-GGACTACGTAACGGATCCCCGTGGCCTCATCTCCAAGAAGGACTTCCAGAAGGTGGGTGT[G>A]GGACATCGTGTGGGCCCAGGACTTGGGTGGGGTTGCCAAGGGCCAGCCATACCCTTCTGG-3'

ClinVar aggregate classification (germline): Likely benign. Review status: criteria provided, multiple submitters, no conflicts (2 of 4 stars). 2 submissions from 2 submitters: Likely benign (2). Last evaluated 2025-03-31.

Conditions:
RYR1-related disorder. Also called: RYR1-related condition; RYR1-related disorders. Identifiers: MedGen CN239331.

gnomAD v4.1: 2 of 1,612,214 alleles (0.00012%); no homozygotes.

Submissions (2):

PreventionGenetics, part of Exact Sciences
Classification: Likely benign for RYR1-related condition. Last evaluated: 2025-03-31. Review status: criteria provided, single submitter. Criteria: ACMG Guidelines, 2015. Collection method: clinical testing. Allele origin: germline.
Comment: This variant is classified as likely benign based on ACMG/AMP sequence variant interpretation guidelines (Richards et al. 2015 PMID: 25741868, with internal and published modifications).

Labcorp Genetics (formerly Invitae), Labcorp
Classification: Likely benign for RYR1-related disorder. Last evaluated: 2025-03-28. Review status: criteria provided, single submitter. Criteria: Invitae Variant Classification Sherloc (09022015). Collection method: clinical testing. Allele origin: germline.